The following is an entry in ClinVar:

ClinVar aggregate classification (germline): Uncertain significance (1 of 4 stars; one submission).

Conditions:
Hereditary cancer-predisposing syndrome. Also called: Neoplastic Syndromes, Hereditary; Tumor predisposition; Hereditary neoplastic syndrome; Hereditary Cancer Syndrome. Identifiers: Orphanet 140162, MedGen C0027672, MeSH D009386, MONDO:0015356.

gnomAD v4.1: 2 of 1,614,024 alleles (0.00012%); highest among the groups gnomAD compares: Admixed American, 0.0017%; no homozygotes.

Submission:

Ambry Genetics
Classification: Uncertain significance for Hereditary cancer-predisposing syndrome. Last evaluated: 2026-07-07. Review status: criteria provided, single submitter. Criteria: Ambry Variant Classification Scheme 2023. Collection method: clinical testing. Allele origin: germline.
Comment: The p.L278V variant (also known as c.832C>G), located in coding exon 7 of the SUFU gene, results from a C to G substitution at nucleotide position 832. The leucine at codon 278 is replaced by valine, an amino acid with highly similar properties. This amino acid position is conserved. In addition, the in silico prediction for this alteration is inconclusive. Based on the available evidence, the clinical significance of this variant remains unclear.

NM_016169.4(SUFU):c.832C>G (p.Leu278Val)

Gene: SUFU (SUFU negative regulator of hedgehog signaling; plus strand). Cytogenetic location: 10q24.32.
Variant type: single nucleotide variant.
Coding change: c.832C>G on transcript NM_016169.4 (MANE Select); coding-DNA position 832, C replaced by G.
Protein change: p.Leu278Val; replaces leucine 278 with valine.
Molecular consequence: missense variant.
Genome position (GRCh38, 1-based): chr10:102,597,215, C>G. VCF-style: chr10-102597215-C-G. GRCh37 (hg19) VCF-style: chr10-104356972-C-G.
Other names: c.832C>G, p.Leu278Val (NM_001178133.2); short protein forms L278V.
Identifiers: ClinVar variation 5030389 (VCV005030389.1).